The following is an entry in ClinVar:

ClinVar aggregate classification (germline): Uncertain significance (1 of 4 stars; one submission).

Submission:

Labcorp Genetics (formerly Invitae), Labcorp
Classification: Uncertain significance. Last evaluated: 2020-10-25. Review status: criteria provided, single submitter. Criteria: Invitae Variant Classification Sherloc (09022015). Collection method: clinical testing. Allele origin: germline.
Comment: In summary, the available evidence is currently insufficient to determine the role of this variant in disease. Therefore, it has been classified as a Variant of Uncertain Significance. Algorithms developed to predict the effect of missense changes on protein structure and function are either unavailable or do not agree on the potential impact of this missense change (SIFT: "Deleterious"; PolyPhen-2: "Probably Damaging"; Align-GVGD: "Class C0"). This variant has not been reported in the literature in individuals with SLC2A9-related conditions. This variant is not present in population databases (ExAC no frequency). This sequence change replaces asparagine with isoleucine at codon 504 of the SLC2A9 protein (p.Asn504Ile). The asparagine residue is moderately conserved and there is a large physicochemical difference between asparagine and isoleucine.

NM_020041.3(SLC2A9):c.1511A>T (p.Asn504Ile)

Gene: SLC2A9 (solute carrier family 2 member 9; minus strand). Cytogenetic location: 4p16.1.
Variant type: single nucleotide variant.
Coding change: c.1511A>T on transcript NM_020041.3 (MANE Select); coding-DNA position 1511, A replaced by T.
Protein change: p.Asn504Ile; replaces asparagine 504 with isoleucine.
Molecular consequence: missense variant.
Genome position (GRCh38, 1-based): chr4:9,826,509, T>A on the plus strand (A>T on the coding strand, the complement: SLC2A9 is on the minus strand). VCF-style: chr4-9826509-T-A. GRCh37 (hg19) VCF-style: chr4-9828133-T-A.
Other names: c.1424A>T, p.Asn475Ile (NM_001001290.2); short protein forms N475I, N504I.
Identifiers: ClinVar variation 1001841 (VCV001001841.8), dbSNP rs1445138560, ClinGen allele CA356400392.